The following is an entry in ClinVar:

ClinVar aggregate classification (germline): Uncertain significance. Review status: criteria provided, single submitter (1 of 4 stars). 2 submissions from 2 submitters: Uncertain significance (1). 1 of the submissions does not count toward it. Last evaluated 2022-07-19.

Conditions:
Nemaline myopathy 2 (NEM2). Also called: Nemaline myopathy 2, autosomal recessive. Identifiers: MedGen C1850569, MONDO:0009725, OMIM 256030.

Allele frequency attached by ClinVar (database versions not stated): TOPMed below 0.00001; gnomAD exomes 0.00001.
gnomAD v4.1: 4 of 1,613,958 alleles (0.00025%); highest among the groups gnomAD compares: Admixed American, 0.0067%; no homozygotes.

Submissions (2):

Labcorp Genetics (formerly Invitae), Labcorp
Classification: Uncertain significance for Nemaline myopathy 2. Last evaluated: 2022-07-19. Review status: criteria provided, single submitter. Criteria: Invitae Variant Classification Sherloc (09022015). Collection method: clinical testing. Allele origin: germline.
Comment: This sequence change replaces glycine, which is neutral and non-polar, with valine, which is neutral and non-polar, at codon 2564 of the NEB protein (p.Gly2564Val). This variant is present in population databases (no rsID available, gnomAD 0.009%). This variant has not been reported in the literature in individuals affected with NEB-related conditions. ClinVar contains an entry for this variant (Variation ID: 652274). Algorithms developed to predict the effect of missense changes on protein structure and function are either unavailable or do not agree on the potential impact of this missense change (SIFT: "Deleterious"; PolyPhen-2: "Not Available"; Align-GVGD: "Class C0"). In summary, the available evidence is currently insufficient to determine the role of this variant in disease. Therefore, it has been classified as a Variant of Uncertain Significance.

Natera, Inc.
Classification: Uncertain significance for Nemaline myopathy type 2. Last evaluated: 2020-07-16. Review status: no assertion criteria provided. Collection method: clinical testing. Allele origin: germline. Not counted in ClinVar's aggregate classification.

NM_001164508.2(NEB):c.7691G>T (p.Gly2564Val)

Gene: NEB (nebulin; minus strand). Cytogenetic location: 2q23.3.
Variant type: single nucleotide variant.
Coding change: c.7691G>T on transcript NM_001164508.2 (MANE Select); coding-DNA position 7691, G replaced by T.
Protein change: p.Gly2564Val; replaces glycine 2564 with valine.
Molecular consequence: missense variant.
Genome position (GRCh38, 1-based): chr2:151,644,083, C>A on the plus strand (G>T on the coding strand, the complement: NEB is on the minus strand). VCF-style: chr2-151644083-C-A. GRCh37 (hg19) VCF-style: chr2-152500597-C-A.
Other names: c.7691G>T, p.Gly2564Val (NM_001164507.2, NM_001271208.2, NM_004543.5); short protein forms G2564V.
Identifiers: ClinVar variation 652274 (VCV000652274.10), dbSNP rs1334008702, ClinGen allele CA348782719.